The following is an entry in ClinVar:

NM_000434.4(NEU1):c.673C>T (p.Arg225Trp)

Gene: NEU1 (neuraminidase 1; minus strand). Cytogenetic location: 6p21.33.
Variant type: single nucleotide variant.
Coding change: c.673C>T on transcript NM_000434.4 (MANE Select); coding-DNA position 673, C replaced by T.
Protein change: p.Arg225Trp; replaces arginine 225 with tryptophan.
Molecular consequence: missense variant.
Genome position (GRCh38, 1-based): chr6:31,860,564, G>A on the plus strand (C>T on the coding strand, the complement: NEU1 is on the minus strand). VCF-style: chr6-31860564-G-A. GRCh37 (hg19) VCF-style: chr6-31828341-G-A.
Other names: short protein forms R225W.
Identifiers: ClinVar variation 4806909 (VCV004806909.1).
Genomic context (GRCh38, chr6:31,860,564, plus strand): 5'-CACTTCCGTAGCGCCAGGAGGCACCATGATCATCGCTGAGGAGACAGAAGACTCCGTCCC[G>A]CTCCAGCGTCCCATGGCCACACACGATGAGGCGGCCCTTCCGTGGCTCCCGCTGTTTCTG-3'
Protein context (NP_000425.1, residues 215-235): LIVCGHGTLE[Arg225Trp]DGVFCLLSDD

ClinVar aggregate classification (germline): Uncertain significance (1 of 4 stars; one submission).

gnomAD v4.1: 8 of 1,613,888 alleles (0.0005%); highest among the groups gnomAD compares: South Asian, 0.0055%; no homozygotes.

Submission:

Labcorp Genetics (formerly Invitae), Labcorp
Classification: Uncertain significance. Last evaluated: 2025-03-27. Review status: criteria provided, single submitter. Criteria: Invitae Variant Classification Sherloc (09022015). Collection method: clinical testing. Allele origin: germline.
Comment: This sequence change replaces arginine, which is basic and polar, with tryptophan, which is neutral and slightly polar, at codon 225 of the NEU1 protein (p.Arg225Trp). This variant is present in population databases (rs761056050, gnomAD 0.006%). This variant has not been reported in the literature in individuals affected with NEU1-related conditions. Invitae Evidence Modeling of protein sequence and biophysical properties (such as structural, functional, and spatial information, amino acid conservation, physicochemical variation, residue mobility, and thermodynamic stability) indicates that this missense variant is not expected to disrupt NEU1 protein function with a negative predictive value of 80%. In summary, the available evidence is currently insufficient to determine the role of this variant in disease. Therefore, it has been classified as a Variant of Uncertain Significance.